The following is an entry in ClinVar:

ClinVar aggregate classification (germline): Uncertain significance (1 of 4 stars; one submission).

Conditions:
Hemolytic anemia due to glutathione reductase deficiency (CNSHA10). Also called: ANEMIA, CONGENITAL, NONSPHEROCYTIC HEMOLYTIC, 10. Identifiers: Orphanet 90030, MedGen C5231513, MONDO:0019531, OMIM 618660.

gnomAD v4.1: 7 of 1,443,992 alleles (0.00048%); highest among the groups gnomAD compares: East Asian, 0.017%; no homozygotes.

Submission:

ARUP Laboratories, Molecular Genetics and Genomics, ARUP Laboratories
Classification: Uncertain significance for Hemolytic anemia due to glutathione reductase deficiency. Last evaluated: 2025-04-16. Review status: criteria provided, single submitter. Criteria: ARUP Molecular Germline Variant Investigation Process 2024. Collection method: clinical testing. Allele origin: germline.
Comment: The GSR c.164C>T; p.Pro55Leu variant (rs1254352177), to our knowledge, is not reported in the medical literature or gene specific databases. This variant is only observed on two alleles in the Genome Aggregation Database (v2.1.1), indicating it is not a common polymorphism. Computational analyses predict that this variant is neutral (REVEL: 0.089). Due to limited information, the clinical significance of this variant is uncertain at this time.

NM_000637.5(GSR):c.164C>T (p.Pro55Leu)

Genes: GSR (glutathione-disulfide reductase; minus strand), LOC130000170 (ATAC-STARR-seq lymphoblastoid silent region 19083; plus strand). Cytogenetic location: 8p12.
Variant type: single nucleotide variant.
Coding change: c.164C>T on transcript NM_000637.5 (MANE Select); coding-DNA position 164, C replaced by T.
Protein change: p.Pro55Leu; replaces proline 55 with leucine.
Molecular consequence: missense variant.
Genome position (GRCh38, 1-based): chr8:30,727,672, G>A on the plus strand (C>T on the coding strand, the complement: GSR is on the minus strand). VCF-style: chr8-30727672-G-A. GRCh37 (hg19) VCF-style: chr8-30585189-G-A.
Other names: c.164C>T, p.Pro55Leu (NM_001195102.3, NM_001195103.3, NM_001195104.3); short protein forms P55L.
Identifiers: ClinVar variation 4685759 (VCV004685759.1).